The following is an entry in ClinVar:

NM_020821.3(VPS13C):c.2927C>T (p.Pro976Leu)

Gene: VPS13C (vacuolar protein sorting 13 homolog C; minus strand). Cytogenetic location: 15q22.2.
Variant type: single nucleotide variant.
Coding change: c.2927C>T on transcript NM_020821.3 (MANE Select); coding-DNA position 2927, C replaced by T.
Protein change: p.Pro976Leu; replaces proline 976 with leucine.
Molecular consequence: missense variant.
Genome position (GRCh38, 1-based): chr15:61,967,432, G>A on the plus strand (C>T on the coding strand, the complement: VPS13C is on the minus strand). VCF-style: chr15-61967432-G-A. GRCh37 (hg19) VCF-style: chr15-62259631-G-A.
Other names: c.2927C>T, p.Pro976Leu (NM_001018088.3); c.2798C>T, p.Pro933Leu (NM_017684.5, NM_018080.4); short protein forms P976L, P933L.
Identifiers: ClinVar variation 916307 (VCV000916307.45), dbSNP rs760331474, ClinGen allele CA7596549.

ClinVar aggregate classification (germline): Uncertain significance. Review status: criteria provided, multiple submitters, no conflicts (2 of 4 stars). 2 submissions from 2 submitters: Uncertain significance (2). Last evaluated 2021-09-19.

Allele frequency attached by ClinVar (database versions not stated): TOPMed 0.00004; gnomAD exomes 0.00005; ExAC 0.00007.
gnomAD v4.1: 55 of 1,598,380 alleles (0.0034%); highest among the groups gnomAD compares: Non-Finnish European, 0.0043%; no homozygotes.

Submissions (2):

Labcorp Genetics (formerly Invitae), Labcorp
Classification: Uncertain significance. Last evaluated: 2021-09-19. Review status: criteria provided, single submitter. Criteria: Invitae Variant Classification Sherloc (09022015). Collection method: clinical testing. Allele origin: germline.
Comment: This sequence change replaces proline with leucine at codon 976 of the VPS13C protein (p.Pro976Leu). The proline residue is weakly conserved and there is a moderate physicochemical difference between proline and leucine. In summary, the available evidence is currently insufficient to determine the role of this variant in disease. Therefore, it has been classified as a Variant of Uncertain Significance. Algorithms developed to predict the effect of missense changes on protein structure and function are either unavailable or do not agree on the potential impact of this missense change (SIFT: "Deleterious"; PolyPhen-2: "Possibly Damaging"; Align-GVGD: "Class C0"). ClinVar contains an entry for this variant (Variation ID: 916307). This variant has not been reported in the literature in individuals affected with VPS13C-related conditions. This variant is present in population databases (rs760331474, ExAC 0.01%).

CeGaT Center for Human Genetics Tuebingen
Classification: Uncertain significance. Last evaluated: 2020-03-01. Review status: criteria provided, single submitter. Criteria: CeGaT Center For Human Genetics Tuebingen Variant Classification Criteria Version 2. Collection method: clinical testing. Allele origin: germline. Affected: yes. Observed: 1 variant allele.